The following is an entry in ClinVar:

NM_000053.4(ATP7B):c.1543+40G>A

Gene: ATP7B (ATPase copper transporting beta; minus strand). Cytogenetic location: 13q14.3.
Variant type: single nucleotide variant.
Coding change: c.1543+40G>A on transcript NM_000053.4 (MANE Select); 40 bases into the intron after coding-DNA position 1543, G replaced by A.
Molecular consequence: intron variant.
Genome position (GRCh38, 1-based): chr13:51,970,452, C>T on the plus strand (G>A on the coding strand, the complement: ATP7B is on the minus strand). VCF-style: chr13-51970452-C-T. GRCh37 (hg19) VCF-style: chr13-52544588-C-T.
Other names: c.1543+40G>A (NM_001406541.1, NM_001406531.1, NM_001406527.1 and 28 more transcripts); c.1447+40G>A (NM_001406543.1, NM_001406518.1, NM_001406544.1 and 3 more transcripts); c.1210+40G>A (NM_001243182.2); c.1285+3483G>A (NM_001406548.1); c.1114+40G>A (NM_001406539.1).
Identifiers: ClinVar variation 3576314 (VCV003576314.6).
Genomic context (GRCh38, chr13:51,970,452, plus strand): 5'-ATCAGGGCTACTGATAAACACAGTTGCTGGGTATTCTGAAGGGAGAATACGAGGTCTATA[C>T]GCAGCATTCCTAAGTTCAACATGGGCGTTCATCTCTTACCAGCTTCTTTCTGCAGATTCC-3'

ClinVar aggregate classification (germline): Conflicting classifications of pathogenicity. Review status: criteria provided, conflicting classifications (1 of 4 stars). 4 submissions from 4 submitters: Likely pathogenic (3); Likely benign (1). Last evaluated 2025-07-17.

Conditions:
Wilson disease (WND). Also called: Wilson's disease. Identifiers: Orphanet 905, MedGen C0019202, MONDO:0010200, OMIM 277900. Disease mechanism: loss of function.

gnomAD v4.1: 234 of 1,613,578 alleles (0.015%); highest among the groups gnomAD compares: East Asian, 0.47%; 1 homozygote.

Submissions (4):

Color Diagnostics, LLC DBA Color Health
Classification: Likely pathogenic for Wilson disease. Last evaluated: 2025-07-17. Review status: criteria provided, single submitter. Criteria: ACMG Guidelines, 2015. Collection method: clinical testing. Allele origin: germline.
Comment: This variant causes a G to A nucleotide substitution at the +40 position of intron 3/20 of the ATP7B gene. RNA studies have shown that this variant causes in-frame skipping of exon 3 (PMID: 36343861). This variant has been observed in the compound heterozygous state in individuals affected with autosomal recessive Wilson disease (PMID: 35470480, 36343861, 39267050), indicating that this variant contributes to disease. This variant has been identified in 43/278840 chromosomes in the general population by the Genome Aggregation Database (gnomAD). Based on the available evidence, this variant is classified as Likely Pathogenic.

Lildballe Lab, Aarhus University Hospital
Classification: Likely benign for Wilson disease. Last evaluated: 2024-08-29. Review status: criteria provided, single submitter. Criteria: ACMG Guidelines, 2015. Collection method: clinical testing. Allele origin: germline. Affected: yes.
Comment: PM2, BP7

Fulgent Genetics
Classification: Likely pathogenic for Wilson disease. Last evaluated: 2024-05-29. Review status: criteria provided, single submitter. Criteria: ACMG Guidelines, 2015. Collection method: clinical testing. Allele origin: germline.

Juno Genomics, Hangzhou Juno Genomics, Inc
Classification: Likely pathogenic for Wilson disease. Review status: criteria provided, single submitter. Criteria: ACMG Guidelines, 2015. Collection method: clinical testing. Allele origin: germline.
Comment: For recessive disorders, detected in trans with a pathogenic variant.;Patient's phenotype or family history is highly specific for a disease with a single genetic etiology.;Null variant in a gene where loss of function (LOF) is a known mechanism of disease.

Literature cited by the submitters: PubMed 35470480 (cited by Color Diagnostics, LLC DBA Color Health); PubMed 36343861 (cited by Color Diagnostics, LLC DBA Color Health); PubMed 39267050 (cited by Color Diagnostics, LLC DBA Color Health).